The following is an entry in ClinVar:

ClinVar aggregate classification (germline): Benign/Likely benign. Review status: criteria provided, multiple submitters, no conflicts (2 of 4 stars). 5 submissions from 5 submitters: Benign (3); Likely benign (2). Last evaluated 2026-02-03.

Conditions:
Inborn genetic diseases. Identifiers: MedGen C0950123, MeSH D030342.
Developmental and epileptic encephalopathy 94 (DEE94). Also called: CHD2-Related Neurodevelopmental Disorders; Epileptic encephalopathy, childhood-onset. Identifiers: Orphanet 1942, Orphanet 2382, MedGen C3809278, MONDO:0014150, OMIM 615369.

Allele frequency attached by ClinVar (database versions not stated): gnomAD 0.00099; TOPMed 0.00135; 1000 Genomes Project 0.00140; 1000 Genomes Project 30x 0.00141; ESP Exome Variant Server 0.00162.
gnomAD v4.1: 375 of 1,613,550 alleles (0.023%); highest among the groups gnomAD compares: African/African-American, 0.38%; no homozygotes.

Submissions (5):

Labcorp Genetics (formerly Invitae), Labcorp
Classification: Benign for Developmental and epileptic encephalopathy 94. Last evaluated: 2026-02-03. Review status: criteria provided, single submitter. Criteria: Invitae Variant Classification Sherloc (09022015). Collection method: clinical testing. Allele origin: germline.

Blueprint Genetics
Classification: Likely benign. Last evaluated: 2024-08-06. Review status: criteria provided, single submitter. Criteria: ACMG Guidelines, 2015. Collection method: clinical testing. Allele origin: germline.

Women's Health and Genetics/Laboratory Corporation of America, LabCorp
Classification: Likely benign. Last evaluated: 2024-06-14. Review status: criteria provided, single submitter. Criteria: LabCorp Variant Classification Summary - May 2015. Collection method: clinical testing. Allele origin: germline.

Ambry Genetics
Classification: Benign for Inborn genetic diseases. Last evaluated: 2017-05-23. Review status: criteria provided, single submitter. Criteria: Ambry Variant Classification Scheme 2023. Collection method: clinical testing. Allele origin: germline.

GeneDx
Classification: Benign. Last evaluated: 2016-08-11. Review status: criteria provided, single submitter. Criteria: GeneDx Variant Classification (06012015). Collection method: clinical testing. Allele origin: germline. Affected: yes.
Comment: This variant is considered likely benign or benign based on one or more of the following criteria: it is a conservative change, it occurs at a poorly conserved position in the protein, it is predicted to be benign by multiple in silico algorithms, and/or has population frequency not consistent with disease.

NM_001271.4(CHD2):c.855G>A (p.Ala285=)

Gene: CHD2 (chromodomain helicase DNA binding protein 2; plus strand). Cytogenetic location: 15q26.1.
Variant type: single nucleotide variant.
Coding change: c.855G>A on transcript NM_001271.4 (MANE Select); coding-DNA position 855, G replaced by A.
Protein change: p.Ala285=; no amino-acid change (alanine 285 retained).
Molecular consequence: synonymous variant.
Genome position (GRCh38, 1-based): chr15:92,942,871, G>A. VCF-style: chr15-92942871-G-A. GRCh37 (hg19) VCF-style: chr15-93486101-G-A.
Other names: c.855G>A, p.Ala285= (NM_001042572.3).
Identifiers: ClinVar variation 385491 (VCV000385491.18), dbSNP rs138796857, ClinGen allele CA7747648.
Genomic context (GRCh38, chr15:92,942,871, plus strand): 5'-CTCTCTTTCAAGTGTACTTAATCCTTTTGCAGCCACTGGAGCATCTACTACTGTATATGC[G>A]ATTGAAGCTAATGGCGACCCTAGTGGTGACTTTGACACTGAAAAGGATGAAGGTGAAATC-3'
Protein context (NP_001262.3, residues 275-295): GATGASTTVY[Ala285=]IEANGDPSGD